The following is an entry in ClinVar:

NM_007194.4(CHEK2):c.509_514delinsG (p.Val170fs)

Gene: CHEK2 (checkpoint kinase 2; minus strand). Cytogenetic location: 22q12.1.
Variant type: Indel.
Coding change: c.509_514delinsG on transcript NM_007194.4 (MANE Select); coding-DNA positions 509 to 514, TAAATA replaced by G.
Protein change: p.Val170fs; shifts the reading frame from valine 170.
Molecular consequence: frameshift variant. On other transcripts: 5 prime UTR variant (2), intron variant (1).
Genome position (GRCh38, 1-based): chr22:28,725,055-28,725,060, TATTTA replaced by C on the plus strand (TAAATA replaced by G on the coding strand, the reverse complement: CHEK2 is on the minus strand). VCF-style: chr22-28725055-TATTTA-C. GRCh37 (hg19) VCF-style: chr22-29121043-TATTTA-C.
Other names: c.638_643delinsG, p.Val213fs (NM_001005735.3, NM_001438294.1); c.-269_-264delinsG (NM_001257387.3); c.-155_-150delinsG (NM_001437942.1); c.602_607delinsG, p.Val201fs (NM_001438293.1, NM_001438295.1); c.509_514delinsG, p.Val170fs (NM_145862.3); c.445-137_445-132delinsG (NM_001349956.3); short protein forms V170fs, V213fs, V201fs.
Identifiers: ClinVar variation 2673282 (VCV002673282.1), dbSNP rs2518052644, ClinGen allele CA2695200096.

ClinVar aggregate classification (germline): Pathogenic (1 of 4 stars; one submission).

Conditions:
Familial cancer of breast. Also called: Hereditary breast cancer; BREAST CANCER, FAMILIAL; hereditary breast carcinoma. Identifiers: Orphanet 227535, MedGen C0346153, MONDO:0016419, OMIM 114480. Disease mechanism: loss of function.

Submission:

Myriad Genetics, Inc.
Classification: Pathogenic for Familial cancer of breast. Last evaluated: 2023-08-18. Review status: criteria provided, single submitter. Criteria: Myriad Autosomal Dominant, Autosomal Recessive and X-Linked Classification Criteria (2023). Collection method: clinical testing. Allele origin: unknown.
Comment: This variant is considered pathogenic. This variant creates a frameshift predicted to result in premature protein truncation.